The following is an entry in ClinVar:

NM_004168.4(SDHA):c.664T>A (p.Leu222Met)

Gene: SDHA (succinate dehydrogenase complex flavoprotein subunit A; plus strand). Cytogenetic location: 5p15.33.
Variant type: single nucleotide variant.
Coding change: c.664T>A on transcript NM_004168.4 (MANE Select); coding-DNA position 664, T replaced by A.
Protein change: p.Leu222Met; replaces leucine 222 with methionine.
Molecular consequence: missense variant.
Genome position (GRCh38, 1-based): chr5:228,227, T>A. VCF-style: chr5-228227-T-A. GRCh37 (hg19) VCF-style: chr5-228342-T-A.
Other names: c.520T>A, p.Leu174Met (NM_001294332.2); c.664T>A, p.Leu222Met (NM_001330758.2); short protein forms L174M, L222M.
Identifiers: ClinVar variation 4864215 (VCV004864215.1).

ClinVar aggregate classification (germline): Uncertain significance (1 of 4 stars; one submission).

Conditions:
Hereditary cancer-predisposing syndrome. Also called: Neoplastic Syndromes, Hereditary; Tumor predisposition; Hereditary Cancer Syndrome; Hereditary neoplastic syndrome. Identifiers: Orphanet 140162, MedGen C0027672, MeSH D009386, MONDO:0015356.

Submission:

Ambry Genetics
Classification: Uncertain significance for Hereditary cancer-predisposing syndrome. Last evaluated: 2026-03-30. Review status: criteria provided, single submitter. Criteria: Ambry Variant Classification Scheme 2023. Collection method: clinical testing. Allele origin: germline.
Comment: The p.L222M variant (also known as c.664T>A), located in coding exon 6 of the SDHA gene, results from a T to A substitution at nucleotide position 664. The leucine at codon 222 is replaced by methionine, an amino acid with highly similar properties. This amino acid position is conserved. In addition, the in silico prediction for this alteration is inconclusive. Based on the available evidence, the clinical significance of this variant remains unclear.